The following is an entry in ClinVar:

ClinVar aggregate classification (germline): Uncertain significance. Review status: criteria provided, multiple submitters, no conflicts (2 of 4 stars). 2 submissions from 2 submitters: Uncertain significance (2). Last evaluated 2022-05-22.

Conditions:
Mitochondrial DNA depletion syndrome 9 (MTDPS9). Also called: SUCLG1-Related Mitochondrial DNA Depletion Syndrome, Encephalomyopathic Form with Methylmalonic Aciduria. Identifiers: Orphanet 17, MedGen C3151476, MONDO:0009504, OMIM 245400.

Allele frequency attached by ClinVar (database versions not stated): gnomAD exomes below 0.00001.
gnomAD v4.1: 1 of 1,613,988 alleles (0.000062%); highest among the groups gnomAD compares: South Asian, 0.0011%; no homozygotes.

Submissions (2):

3billion
Classification: Uncertain significance for Mitochondrial DNA depletion syndrome 9. Last evaluated: 2022-05-22. Review status: criteria provided, single submitter. Criteria: ACMG Guidelines, 2015. Collection method: clinical testing. Allele origin: germline. Affected: yes. Observed: 1 homozygote.
Comment: The variant is observed at an extremely low frequency in the gnomAD v2.1.1 dataset (total allele frequency: <0.001%). Missense changes are a common disease-causing mechanism. In silico tool predictions suggest damaging effect of the variant on gene or gene product (REVEL: 0.79; 3Cnet: 0.66). This variant has been previously reported as uncertain signficance in a similarly affected individual (ClinVar ID: VCV000635004.1) Therefore, this variant is classified as uncertain significanceaccording to the recommendation of ACMG/AMP guideline.

Foundation for Research in Genetics and Endocrinology, FRIGE's Institute of Human Genetics
Classification: Uncertain significance for Mitochondrial DNA depletion syndrome 9. Last evaluated: 2019-04-17. Review status: criteria provided, single submitter. Criteria: ACMG Guidelines, 2015. Collection method: clinical testing. Allele origin: germline. Inheritance: Autosomal recessive inheritance. Affected: yes. Observed: 1 homozygote.
Comment: The variant has previously been reported in an Indian family with an autosomal recessive inheritance. The variant is not reported in the 1000 Genomes and ExAC databases. In silico prediction of the variant are probably damaging by PolyPhen-2 (HumDiv) and damaging by SIFT, LRT and MutationTaster2. In summary, the p.Pro148Leu variant meets our criteria to be classified as an uncertain significant.

NM_003849.4(SUCLG1):c.443C>T (p.Pro148Leu)

Gene: SUCLG1 (succinate-CoA ligase GDP/ADP-forming subunit alpha; minus strand). Cytogenetic location: 2p11.2.
Variant type: single nucleotide variant.
Coding change: c.443C>T on transcript NM_003849.4 (MANE Select); coding-DNA position 443, C replaced by T.
Protein change: p.Pro148Leu; replaces proline 148 with leucine.
Molecular consequence: missense variant.
Genome position (GRCh38, 1-based): chr2:84,441,335, G>A on the plus strand (C>T on the coding strand, the complement: SUCLG1 is on the minus strand). VCF-style: chr2-84441335-G-A. GRCh37 (hg19) VCF-style: chr2-84668459-G-A.
Other names: short protein forms P148L.
Identifiers: ClinVar variation 635004 (VCV000635004.4), dbSNP rs1331661730, ClinGen allele CA347515732.